The following is an entry in ClinVar:

NM_014159.7(SETD2):c.3458T>C (p.Ile1153Thr)

Gene: SETD2 (SET domain containing 2, histone lysine methyltransferase; minus strand). Cytogenetic location: 3p21.31.
Variant type: single nucleotide variant.
Coding change: c.3458T>C on transcript NM_014159.7 (MANE Select); coding-DNA position 3458, T replaced by C.
Protein change: p.Ile1153Thr; replaces isoleucine 1153 with threonine.
Molecular consequence: missense variant. On other transcripts: non-coding transcript variant (1).
Genome position (GRCh38, 1-based): chr3:47,121,178, A>G on the plus strand (T>C on the coding strand, the complement: SETD2 is on the minus strand). VCF-style: chr3-47121178-A-G. GRCh37 (hg19) VCF-style: chr3-47162668-A-G.
Other names: c.3326T>C, p.Ile1109Thr (NM_001349370.3); short protein forms I1109T, I1153T.
Identifiers: ClinVar variation 1711572 (VCV001711572.31), dbSNP rs200491606, ClinGen allele CA2363380.

ClinVar aggregate classification (germline): Likely benign. Review status: criteria provided, multiple submitters, no conflicts (2 of 4 stars). 2 submissions from 2 submitters: Likely benign (2). Last evaluated 2026-06-12.

Conditions:
Inborn genetic diseases. Identifiers: MedGen C0950123, MeSH D030342.

Allele frequency attached by ClinVar (database versions not stated): gnomAD exomes 0.00001; ExAC 0.00002; gnomAD 0.00002; TOPMed 0.00003; 1000 Genomes Project 0.00020; 1000 Genomes Project 30x 0.00031.
gnomAD v4.1: 23 of 1,614,058 alleles (0.0014%); highest among the groups gnomAD compares: Admixed American, 0.01%; no homozygotes.

Submissions (2):

Ambry Genetics
Classification: Likely benign for Inborn genetic diseases. Last evaluated: 2026-06-12. Review status: criteria provided, single submitter. Criteria: Ambry Variant Classification Scheme 2023. Collection method: clinical testing. Allele origin: germline.

CeGaT Center for Human Genetics Tuebingen
Classification: Likely benign. Last evaluated: 2022-09-01. Review status: criteria provided, single submitter. Criteria: CeGaT Center For Human Genetics Tuebingen Variant Classification Criteria Version 2. Collection method: clinical testing. Allele origin: germline. Affected: yes. Observed: 1 variant allele.
Comment: SETD2: BP4, BS2